The following is an entry in ClinVar:

ClinVar aggregate classification (germline): Uncertain significance (1 of 4 stars; one submission).

Allele frequency attached by ClinVar (database versions not stated): gnomAD exomes below 0.00001.
gnomAD v4.1: 2 of 1,614,204 alleles (0.00012%); highest among the groups gnomAD compares: Non-Finnish European, 0.00017%; no homozygotes.

Submission:

Labcorp Genetics (formerly Invitae), Labcorp
Classification: Uncertain significance. Last evaluated: 2025-02-03. Review status: criteria provided, single submitter. Criteria: Invitae Variant Classification Sherloc (09022015). Collection method: clinical testing. Allele origin: germline.
Comment: This sequence change replaces arginine, which is basic and polar, with leucine, which is neutral and non-polar, at codon 204 of the HTRA2 protein (p.Arg204Leu). This variant is not present in population databases (gnomAD no frequency). This variant has not been reported in the literature in individuals affected with HTRA2-related conditions. ClinVar contains an entry for this variant (Variation ID: 1944954). Invitae Evidence Modeling of protein sequence and biophysical properties (such as structural, functional, and spatial information, amino acid conservation, physicochemical variation, residue mobility, and thermodynamic stability) indicates that this missense variant is not expected to disrupt HTRA2 protein function with a negative predictive value of 80%. In summary, the available evidence is currently insufficient to determine the role of this variant in disease. Therefore, it has been classified as a Variant of Uncertain Significance.

NM_013247.5(HTRA2):c.611G>T (p.Arg204Leu)

Gene: HTRA2 (HtrA serine peptidase 2; plus strand). Cytogenetic location: 2p13.1.
Variant type: single nucleotide variant.
Coding change: c.611G>T on transcript NM_013247.5 (MANE Select); coding-DNA position 611, G replaced by T.
Protein change: p.Arg204Leu; replaces arginine 204 with leucine.
Molecular consequence: missense variant. On other transcripts: non-coding transcript variant (4).
Genome position (GRCh38, 1-based): chr2:74,530,721, G>T. VCF-style: chr2-74530721-G-T. GRCh37 (hg19) VCF-style: chr2-74757848-G-T.
Other names: c.611G>T, p.Arg204Leu (NM_001321727.1, NM_001321728.1, NM_145074.2); short protein forms R204L.
Identifiers: ClinVar variation 1944954 (VCV001944954.4), dbSNP rs2529884023, ClinGen allele CA347379199.